The following is an entry in ClinVar:

NM_005859.5(PURA):c.268G>A (p.Glu90Lys)

Gene: PURA (purine rich element binding protein A; plus strand). Cytogenetic location: 5q31.3.
Variant type: single nucleotide variant.
Coding change: c.268G>A on transcript NM_005859.5 (MANE Select); coding-DNA position 268, G replaced by A.
Protein change: p.Glu90Lys; replaces glutamic acid 90 with lysine.
Molecular consequence: missense variant.
Genome position (GRCh38, 1-based): chr5:140,114,449, G>A. VCF-style: chr5-140114449-G-A. GRCh37 (hg19) VCF-style: chr5-139494034-G-A.
Other names: short protein forms E90K.
Identifiers: ClinVar variation 1308534 (VCV001308534.5), dbSNP rs1763043164, ClinGen allele CA361490389.

ClinVar aggregate classification (germline): Likely pathogenic. Review status: criteria provided, single submitter (1 of 4 stars). 2 submissions from 2 submitters: Likely pathogenic (1). 1 of the submissions does not count toward it. Last evaluated 2024-09-30.

Conditions:
PURA-related severe neonatal hypotonia-seizures-encephalopathy syndrome (NEDRIHF). Also called: NEURODEVELOPMENTAL DISORDER WITH NEONATAL RESPIRATORY INSUFFICIENCY, HYPOTONIA, AND FEEDING DIFFICULTIES; PURA-Related Neurodevelopmental Disorders. Identifiers: Orphanet 438213, Orphanet 438216, MedGen C4015357, MONDO:1060108, OMIM 616158, MONDO:0018580.

Submissions (2):

GeneDx
Classification: Likely pathogenic. Last evaluated: 2024-09-30. Review status: criteria provided, single submitter. Criteria: GeneDx Variant Classification Process June 2021. Collection method: clinical testing. Allele origin: germline. Affected: yes.
Comment: Not observed at significant frequency in large population cohorts (gnomAD); In silico analysis supports that this missense variant has a deleterious effect on protein structure/function; Has not been previously published as pathogenic or benign to our knowledge

Department of Rehabilitation, Anhui Provincial Children's Hospital
Classification: Likely pathogenic for PURA-related severe neonatal hypotonia-seizures-encephalopathy syndrome. Last evaluated: 2024-01-15. Review status: no assertion criteria provided. Collection method: clinical testing. Allele origin: de novo. Affected: yes. Not counted in ClinVar's aggregate classification.
Comment: Missense variants in this gene are a common pathogenic mechanism for the associated disease phenotype, with a low frequency of benign missese variants. Public database queries confirm that mutations in the PURA gene (OMIM:600473) cause "Neurodevelopmental Disorder with Neonatal Respiratory Insufficiency, Hypotonia, and Feeding Difficulties" (OMIM:616158).